The following is an entry in ClinVar:

NM_173477.5(USH1G):c.1025C>T (p.Pro342Leu)

Gene: USH1G (USH1 protein network component sans; minus strand). Cytogenetic location: 17q25.1.
Variant type: single nucleotide variant.
Coding change: c.1025C>T on transcript NM_173477.5 (MANE Select); coding-DNA position 1025, C replaced by T.
Protein change: p.Pro342Leu; replaces proline 342 with leucine.
Molecular consequence: missense variant.
Genome position (GRCh38, 1-based): chr17:74,919,811, G>A on the plus strand (C>T on the coding strand, the complement: USH1G is on the minus strand). VCF-style: chr17-74919811-G-A. GRCh37 (hg19) VCF-style: chr17-72915906-G-A.
Other names: c.716C>T, p.Pro239Leu (NM_001282489.3); short protein forms P239L, P342L.
Identifiers: ClinVar variation 935190 (VCV000935190.9), dbSNP rs764976687, ClinGen allele CA400962022.

ClinVar aggregate classification (germline): Uncertain significance (1 of 4 stars; one submission).

Allele frequency attached by ClinVar (database versions not stated): gnomAD exomes below 0.00001.
gnomAD v4.1: 2 of 1,612,872 alleles (0.00012%); highest among the groups gnomAD compares: East Asian, 0.0022%; no homozygotes.

Submission:

Labcorp Genetics (formerly Invitae), Labcorp
Classification: Uncertain significance. Last evaluated: 2022-06-13. Review status: criteria provided, single submitter. Criteria: Invitae Variant Classification Sherloc (09022015). Collection method: clinical testing. Allele origin: germline.
Comment: In summary, the available evidence is currently insufficient to determine the role of this variant in disease. Therefore, it has been classified as a Variant of Uncertain Significance. Algorithms developed to predict the effect of missense changes on protein structure and function output the following: SIFT: "Not Available"; PolyPhen-2: "Benign"; Align-GVGD: "Not Available". The leucine amino acid residue is found in multiple mammalian species, which suggests that this missense change does not adversely affect protein function. ClinVar contains an entry for this variant (Variation ID: 935190). This variant has not been reported in the literature in individuals affected with USH1G-related conditions. This variant is present in population databases (no rsID available, gnomAD 0.006%). This sequence change replaces proline, which is neutral and non-polar, with leucine, which is neutral and non-polar, at codon 342 of the USH1G protein (p.Pro342Leu).